The following is an entry in ClinVar:

NM_000901.5(NR3C2):c.1497T>C (p.Asp499=)

Gene: NR3C2 (nuclear receptor subfamily 3 group C member 2; minus strand). Cytogenetic location: 4q31.23.
Variant type: single nucleotide variant.
Coding change: c.1497T>C on transcript NM_000901.5 (MANE Select); coding-DNA position 1497, T replaced by C.
Protein change: p.Asp499=; no amino-acid change (aspartic acid 499 retained).
Molecular consequence: synonymous variant. On other transcripts: non-coding transcript variant (1).
Genome position (GRCh38, 1-based): chr4:148,435,364, A>G on the plus strand (T>C on the coding strand, the complement: NR3C2 is on the minus strand). VCF-style: chr4-148435364-A-G. GRCh37 (hg19) VCF-style: chr4-149356516-A-G.
Other names: p.Asp499=; c.1497T>C, p.Asp499= (NM_001166104.2, NM_001354819.1).
Identifiers: ClinVar variation 256828 (VCV000256828.29), dbSNP rs5525, ClinGen allele CA3100299.

ClinVar aggregate classification (germline): Benign. Review status: criteria provided, multiple submitters, no conflicts (2 of 4 stars). 11 submissions from 11 submitters: Benign (9). 2 of the submissions do not count toward it. Last evaluated 2026-02-04.

Conditions:
Autosomal dominant pseudohypoaldosteronism type 1. Also called: Pseudohypoaldosteronism, Type I, Dominant; PHA I, AUTOSOMAL DOMINANT; Pseudohypoaldosteronism, Type I, Autosomal Dominant. Identifiers: Orphanet 171871, Orphanet 756, MedGen C1449842, MONDO:0008329, OMIM 177735.

Allele frequency attached by ClinVar (database versions not stated): TOPMed 0.88077; gnomAD 0.88975 and 0.89084; 1000 Genomes Project 30x 0.89022; 1000 Genomes Project 0.89197; ESP Exome Variant Server 0.89812.
gnomAD v4.1: 1,427,122 of 1,614,036 alleles (88%); highest among the groups gnomAD compares: Middle Eastern, 92%; 631,575 homozygotes.

Submissions (11):

Labcorp Genetics (formerly Invitae), Labcorp
Classification: Benign. Last evaluated: 2026-02-04. Review status: criteria provided, single submitter. Criteria: Invitae Variant Classification Sherloc (09022015). Collection method: clinical testing. Allele origin: germline.

Blueprint Genetics
Classification: Benign. Last evaluated: 2024-11-26. Review status: criteria provided, single submitter. Criteria: ACMG Guidelines, 2015. Collection method: clinical testing. Allele origin: germline.

Mayo Clinic Laboratories, Mayo Clinic
Classification: Benign. Last evaluated: 2022-03-09. Review status: criteria provided, single submitter. Criteria: ACMG Guidelines, 2015. Collection method: clinical testing. Allele origin: germline. Observed: 172 variant alleles.

Genome-Nilou Lab
Classification: Benign for Autosomal dominant pseudohypoaldosteronism type 1. Last evaluated: 2021-09-05. Review status: criteria provided, single submitter. Criteria: ACMG Guidelines, 2015. Collection method: clinical testing. Allele origin: germline. Affected: no.

GeneDx
Classification: Benign. Last evaluated: 2018-11-12. Review status: criteria provided, single submitter. Criteria: GeneDx Variant Classification Process June 2021. Collection method: clinical testing. Allele origin: germline. Affected: yes.

Illumina Laboratory Services, Illumina
Classification: Benign for Autosomal dominant pseudohypoaldosteronism type 1. Last evaluated: 2018-01-13. Review status: criteria provided, single submitter. Criteria: ICSL Variant Classification Criteria 13 December 2019. Collection method: clinical testing. Allele origin: germline.
Comment: This variant was observed in the ICSL laboratory as part of a predisposition screen in an ostensibly healthy population. It had not been previously curated by ICSL or reported in the Human Gene Mutation Database (HGMD: prior to June 1st, 2018), and was therefore a candidate for classification through an automated scoring system. Utilizing variant allele frequency, disease prevalence and penetrance estimates, and inheritance mode, an automated score was calculated to assess if this variant is too frequent to cause the disease. Based on the score and internal cut-off values, a variant classified as benign is not then subjected to further curation. The score for this variant resulted in a classification of benign for this disease.

Laboratory for Molecular Medicine, Mass General Brigham Personalized Medicine
Classification: Benign. Last evaluated: 2016-03-21. Review status: criteria provided, single submitter. Criteria: LMM Criteria. Collection method: clinical testing. Allele origin: germline. Observed: 1 variant allele.
Comment: p.Asp499Asp in exon 2 of NR3C2: This variant is not expected to have clinical si gnificance because it does not alter an amino acid residue, is not located withi n the splice consensus sequence, and has been identified in 91.35% (6042/6614) o f Finnish chromosomes by the Exome Aggregation Consortium (ExAC; dbSNP rs5525).

Breakthrough Genomics
Classification: Benign. Review status: criteria provided, single submitter. Criteria: ACMG Guidelines, 2015. Collection method: not provided. Allele origin: germline. Inheritance: Autosomal dominant inheritance. Affected: yes.

PreventionGenetics, part of Exact Sciences
Classification: Benign. Review status: criteria provided, single submitter. Criteria: ACMG Guidelines, 2015. Collection method: clinical testing. Allele origin: germline.

Diagnostic Laboratory, Department of Genetics, University Medical Center Groningen
Classification: Benign. Review status: no assertion criteria provided. Collection method: clinical testing. Allele origin: germline. Affected: yes. Study: VKGL Data-share Consensus. Not counted in ClinVar's aggregate classification.

Joint Genome Diagnostic Labs from Nijmegen and Maastricht, Radboudumc and MUMC+
Classification: Benign. Review status: no assertion criteria provided. Collection method: clinical testing. Allele origin: germline. Affected: yes. Study: VKGL Data-share Consensus. Not counted in ClinVar's aggregate classification.